The following is an entry in ClinVar:

ClinVar aggregate classification (germline): Benign/Likely benign. Review status: criteria provided, multiple submitters, no conflicts (2 of 4 stars). 4 submissions from 4 submitters: Benign (2); Likely benign (2). Last evaluated 2026-01-25.

Allele frequency attached by ClinVar (database versions not stated): gnomAD exomes 0.00092; ExAC 0.00266; ESP Exome Variant Server 0.00336; gnomAD 0.00412 and 0.00431; TOPMed 0.00465; 1000 Genomes Project 30x 0.00531; 1000 Genomes Project 0.00539.
gnomAD v4.1: 1,623 of 1,574,412 alleles (0.1%); highest among the groups gnomAD compares: African/African-American, 1.4%; 14 homozygotes.

Submissions (4):

Labcorp Genetics (formerly Invitae), Labcorp
Classification: Benign. Last evaluated: 2026-01-25. Review status: criteria provided, single submitter. Criteria: Invitae Variant Classification Sherloc (09022015). Collection method: clinical testing. Allele origin: germline.

CeGaT Center for Human Genetics Tuebingen
Classification: Benign. Last evaluated: 2025-11-01. Review status: criteria provided, single submitter. Criteria: CeGaT Center For Human Genetics Tuebingen Variant Classification Criteria Version 2. Collection method: clinical testing. Allele origin: germline. Affected: yes. Observed: 3 variant alleles.
Comment: CACNA1G: BS1, BS2

Blueprint Genetics
Classification: Likely benign. Last evaluated: 2024-09-20. Review status: criteria provided, single submitter. Criteria: ACMG Guidelines, 2015. Collection method: clinical testing. Allele origin: germline.

GeneDx
Classification: Likely benign. Last evaluated: 2021-04-18. Review status: criteria provided, single submitter. Criteria: GeneDx Variant Classification Process June 2021. Collection method: clinical testing. Allele origin: germline. Affected: yes.

NM_018896.5(CACNA1G):c.3295G>A (p.Ala1099Thr)

Gene: CACNA1G (calcium voltage-gated channel subunit alpha1 G; plus strand). Cytogenetic location: 17q21.33.
Variant type: single nucleotide variant.
Coding change: c.3295G>A on transcript NM_018896.5 (MANE Select); coding-DNA position 3295, G replaced by A.
Protein change: p.Ala1099Thr; replaces alanine 1099 with threonine.
Molecular consequence: missense variant. On other transcripts: non-coding transcript variant (5).
Genome position (GRCh38, 1-based): chr17:50,599,464, G>A. VCF-style: chr17-50599464-G-A. GRCh37 (hg19) VCF-style: chr17-48676825-G-A.
Other names: c.3295G>A, p.Ala1099Thr (NM_198385.3, NM_198386.3, NM_001256324.2 and 16 more transcripts); c.3226G>A, p.Ala1076Thr (NM_198387.3, NM_198388.3, NM_198396.3 and 5 more transcripts); short protein forms A1099T, A1076T.
Identifiers: ClinVar variation 711189 (VCV000711189.34), dbSNP rs58240016, ClinGen allele CA8652689.